The following is an entry in ClinVar:

ClinVar aggregate classification (germline): Likely benign. Review status: criteria provided, multiple submitters, no conflicts (2 of 4 stars). 4 submissions from 4 submitters: Likely benign (4). Last evaluated 2025-09-22.

Conditions:
Cardiovascular phenotype. Identifiers: MedGen CN230736.
Arrhythmogenic right ventricular cardiomyopathy (ARVD). Also called: Arrhythmogenic cardiomyopathy; Cardiomyopathy, ARVC; Arrhythmogenic right ventricular dysplasia; Arrhythmogenic Right Ventricular Cardiomyopathy (ARVC). Identifiers: Orphanet 247, MedGen C0349788, MeSH D019571, MONDO:0016587. Disease mechanism: loss of function. Inheritance: Various modes of inheritance.
Cardiomyopathy (CMYO). Also called: Cardiomyopathies. Identifiers: Orphanet 167848, MedGen C0878544, MONDO:0004994, HP:0001638. Inheritance: Various modes of inheritance.
Arrhythmogenic right ventricular dysplasia 10. Also called: Arrhythmogenic Right Ventricular Dysplasia/Cardiomyopathy10; ARRHYTHMOGENIC RIGHT VENTRICULAR DYSPLASIA, FAMILIAL, 10; Arrhythmogenic right ventricular dysplasia/cardiomyopathy, type 10. Identifiers: MedGen C1857777, MONDO:0012434, OMIM 610193.

Allele frequency attached by ClinVar (database versions not stated): gnomAD exomes below 0.00001; ExAC 0.00001; gnomAD 0.00001; TOPMed 0.00001.
gnomAD v4.1: 4 of 1,614,074 alleles (0.00025%); highest among the groups gnomAD compares: South Asian, 0.0011%; no homozygotes.

Submissions (4):

Labcorp Genetics (formerly Invitae), Labcorp
Classification: Likely benign for Arrhythmogenic right ventricular dysplasia 10. Last evaluated: 2025-09-22. Review status: criteria provided, single submitter. Criteria: Invitae Variant Classification Sherloc (09022015). Collection method: clinical testing. Allele origin: germline.

All of Us Research Program, National Institutes of Health
Classification: Likely benign for Arrhythmogenic right ventricular cardiomyopathy. Last evaluated: 2024-01-11. Review status: criteria provided, single submitter. Criteria: ACMG Guidelines, 2015. Collection method: clinical testing. Allele origin: germline. Inheritance: Autosomal dominant inheritance. Observed: 3 variant alleles, 3 heterozygotes.
Comment: This study involves interpretation of variants in research participants for the purpose of population health screening. Participant phenotype was not available at the time of variant classification. Additional details can be found in publication PMID: 35346344, PMCID: PMC8962531

Ambry Genetics
Classification: Likely benign for Cardiovascular phenotype. Last evaluated: 2022-02-14. Review status: criteria provided, single submitter. Criteria: Ambry Variant Classification Scheme 2023. Collection method: clinical testing. Allele origin: germline.

Color Diagnostics, LLC DBA Color Health
Classification: Likely benign for Cardiomyopathy. Last evaluated: 2020-01-07. Review status: criteria provided, single submitter. Criteria: ACMG Guidelines, 2015. Collection method: clinical testing. Allele origin: germline.

NM_001943.5(DSG2):c.693A>G (p.Glu231=)

Gene: DSG2 (desmoglein 2; plus strand). Cytogenetic location: 18q12.1.
Variant type: single nucleotide variant.
Coding change: c.693A>G on transcript NM_001943.5 (MANE Select); coding-DNA position 693, A replaced by G.
Protein change: p.Glu231=; no amino-acid change (glutamic acid 231 retained).
Molecular consequence: synonymous variant.
Genome position (GRCh38, 1-based): chr18:31,524,450, A>G. VCF-style: chr18-31524450-A-G. GRCh37 (hg19) VCF-style: chr18-29104413-A-G.
Identifiers: ClinVar variation 922408 (VCV000922408.9), dbSNP rs775582591, ClinGen allele CA049765.